The following is an entry in ClinVar:

Single allele

Variant type: Deletion.
Identifiers: ClinVar variation 156858 (VCV000156858.2).

ClinVar aggregate classification (germline): not provided. Review status: no classification provided (0 of 4 stars). 3 submissions from 1 submitter: not provided (3).

Conditions:
Gestational diabetes mellitus uncontrolled. Identifiers: MedGen C3532257.
Normal pregnancy. Identifiers: MedGen C0232989.
Large for gestational age. Identifiers: MedGen C1848395, HP:0001520.

Submissions (3):

Institute of Molecular and Cell Biology, University of Tartu
No classification provided. Condition: Large for gestational age. Review status: no classification provided. Collection method: case-control. Allele origin: unknown. Affected: yes. Study: Kasak2014.
Comment: The study aimed to determine the contribution of copy number variants in the genetic etiology of normal and complicated pregnancies. The samples represented (i) maternal blood DNA drawn from healthy pregnant women during 1st or 2nd trimester and (ii) maternal and paternal blood DNA drawn at term pregnancy cases representing normal and complicated gestations (severe preeclampsia, PE; gestational diabetes, GD; small-for-gestational age newborn, SGA; large-for-gestational age newborn, LGA). We performed CNV calling based on genome-wide genotyping dataset (Illumina HumanOmniExpress-24-v1 BeadChip) by applying three algorithms, QuantiSNP, GADA (Genome Alteration Detection Algorithm) and CNstream in parallel. The acquired CNV calls were merged with HD-CNV (Hotspot Detector for Copy Number Variants) program and only the CNVs predicted by at least two programs, were considered in subsequent analysis.

Institute of Molecular and Cell Biology, University of Tartu
No classification provided. Condition: Gestational diabetes mellitus uncontrolled. Review status: no classification provided. Collection method: case-control. Allele origin: unknown. Affected: yes. Study: Kasak2014.
Comment: the same text as in the submission from Institute of Molecular and Cell Biology, University of Tartu above.

Institute of Molecular and Cell Biology, University of Tartu
No classification provided. Condition: Normal pregnancy. Review status: no classification provided. Collection method: case-control. Allele origin: unknown. Affected: yes. Study: Kasak2014.
Comment: the same text as in the submission from Institute of Molecular and Cell Biology, University of Tartu above.

Literature cited by the submitters: PubMed 25666259.